The following is an entry in ClinVar:

NM_001161403.3(LIMS2):c.754-9G>A

Gene: LIMS2 (LIM zinc finger domain containing 2; minus strand). Cytogenetic location: 2q14.3.
Variant type: single nucleotide variant.
Coding change: c.754-9G>A on transcript NM_001161403.3 (MANE Select); 9 bases into the intron before coding-DNA position 754, G replaced by A.
Molecular consequence: intron variant.
Genome position (GRCh38, 1-based): chr2:127,640,327, C>T on the plus strand (G>A on the coding strand, the complement: LIMS2 is on the minus strand). VCF-style: chr2-127640327-C-T. GRCh37 (hg19) VCF-style: chr2-128397902-C-T.
Other names: c.739-9G>A (NM_001161404.2); c.820-9G>A (NM_001136037.4); c.826-9G>A (NM_017980.5); c.298-9G>A (NM_001256542.2).
Identifiers: ClinVar variation 3603319 (VCV003603319.2).

ClinVar aggregate classification (germline): Uncertain significance (1 of 4 stars; one submission).

Conditions:
Autosomal recessive limb-girdle muscular dystrophy type 2W (MDRCMTT). Also called: Muscular dystrophy, limb-girdle, type 2W; Muscular dystrophy, autosomal recessive, with cardiomyopathy and triangular tongue. Identifiers: MedGen C4225192, MONDO:0014788, OMIM 616827.

gnomAD v4.1: 8 of 1,612,158 alleles (0.0005%); highest among the groups gnomAD compares: African/African-American, 0.0027%; no homozygotes.

Submission:

Labcorp Genetics (formerly Invitae), Labcorp
Classification: Uncertain significance for Autosomal recessive limb-girdle muscular dystrophy type 2W. Last evaluated: 2024-10-31. Review status: criteria provided, single submitter. Criteria: Invitae Variant Classification Sherloc (09022015). Collection method: clinical testing. Allele origin: germline.
Comment: This sequence change falls in intron 8 of the LIMS2 gene. It does not directly change the encoded amino acid sequence of the LIMS2 protein. This variant is present in population databases (no rsID available, gnomAD 0.007%). This variant has not been reported in the literature in individuals affected with LIMS2-related conditions. Algorithms developed to predict the effect of sequence changes on RNA splicing suggest that this variant may disrupt the consensus splice site. In summary, the available evidence is currently insufficient to determine the role of this variant in disease. Therefore, it has been classified as a Variant of Uncertain Significance.